The following is an entry in ClinVar:

NM_006648.4(WNK2):c.3514C>T (p.Arg1172Cys)

Gene: WNK2 (WNK lysine deficient protein kinase 2; plus strand). Cytogenetic location: 9q22.31.
Variant type: single nucleotide variant.
Coding change: c.3514C>T on transcript NM_006648.4 (MANE Select); coding-DNA position 3514, C replaced by T.
Protein change: p.Arg1172Cys; replaces arginine 1172 with cysteine.
Molecular consequence: missense variant.
Genome position (GRCh38, 1-based): chr9:93,263,669, C>T. VCF-style: chr9-93263669-C-T. GRCh37 (hg19) VCF-style: chr9-96025951-C-T.
Other names: c.3514C>T, p.Arg1172Cys (NM_001282394.3); short protein forms R1172C.
Identifiers: ClinVar variation 3470729 (VCV003470729.2).

ClinVar aggregate classification (germline): Uncertain significance (1 of 4 stars; one submission).

gnomAD v4.1: 10 of 1,587,404 alleles (0.00063%); highest among the groups gnomAD compares: Middle Eastern, 0.017%; no homozygotes.

Submission:

Ambry Genetics
Classification: Uncertain significance. Last evaluated: 2025-02-05. Review status: criteria provided, single submitter. Criteria: Ambry Variant Classification Scheme 2023. Collection method: clinical testing. Allele origin: germline.
Comment: The p.R1172C variant (also known as c.3514C>T), located in coding exon 14 of the WNK2 gene, results from a C to T substitution at nucleotide position 3514. The arginine at codon 1172 is replaced by cysteine, an amino acid with highly dissimilar properties. This amino acid position is conserved. In addition, this alteration is predicted to be tolerated by in silico analysis. Based on the available evidence, the clinical significance of this variant remains unclear.